The following is an entry in ClinVar:

NM_006017.3(PROM1):c.45dup (p.Asn16fs)

Gene: PROM1 (prominin 1; minus strand). Cytogenetic location: 4p15.32.
Variant type: Duplication.
Coding change: c.45dup on transcript NM_006017.3 (MANE Select); coding-DNA position 45, one base duplicated (G; older notation c.45dupG).
Protein change: p.Asn16fs; shifts the reading frame from asparagine 16.
Molecular consequence: frameshift variant.
Genome position (GRCh38, 1-based): chr4:16,075,862, C duplicated on the plus strand (G on the coding strand, the reverse complement: PROM1 is on the minus strand); the first of 3 consecutive C bases (chr4:16,075,862-16,075,864); duplicating any one gives the same sequence. VCF-style (leftmost placement, unchanged base first): chr4-16075861-T-TC. GRCh37 (hg19) VCF-style: chr4-16077484-T-TC.
Other names: c.46delinsGA (NM_006017.3); c.45dup, p.Asn16fs (NM_001145847.2, NM_001145848.2, NM_001145849.2 and 6 more transcripts); short protein forms N16fs.
Identifiers: ClinVar variation 3544454 (VCV003544454.1).

ClinVar aggregate classification (germline): Pathogenic. Review status: criteria provided, multiple submitters, no conflicts (2 of 4 stars). 2 submissions from 2 submitters: Pathogenic (2). Last evaluated 2025-12-13.

Conditions:
Cone-rod dystrophy. Also called: Cone-rod degeneration; Cone/cone-rod dystrophy. Identifiers: Orphanet 1872, MedGen C4085590, MONDO:0015993, HP:0000548.
Cone-rod dystrophy 12 (CORD12). Identifiers: Orphanet 1872, MedGen C2675210, MONDO:0012983, OMIM 612657.

Submissions (2):

Research Institute for Ophthalmology and Vision Science, Shahid Beheshti University of Medical Sciences
Classification: Pathogenic for Cone-rod dystrophy 12. Last evaluated: 2025-12-13. Review status: criteria provided, single submitter. Criteria: ACMG Guidelines, 2015. Collection method: research. Allele origin: inherited. Inheritance: Autosomal recessive inheritance. Affected: yes.
Comment: This variant is absent from gnomAD databases. It has been identified in a homozygous state in patients and co-segregates with the disease in affected family members. It is also a Null variant in PROM1, for which loss of function is a recognized disease mechanism.

Lab De Baere, Eye and Developmental Genetics Lab, Ghent University
Classification: Pathogenic for Cone-rod dystrophy. Last evaluated: 2024-10-01. Review status: criteria provided, single submitter. Criteria: ACMG Guidelines, 2015. Collection method: research. Allele origin: inherited. Affected: yes. Observed: 1 variant allele.
Comment: ACMG/AMP guidelines: PM2, PP4_PP, PVS1, PP1, PM3_PP